The following is an entry in ClinVar:

ClinVar aggregate classification (germline): Uncertain significance (1 of 4 stars; one submission).

Conditions:
Hereditary cancer-predisposing syndrome. Also called: Neoplastic Syndromes, Hereditary; Hereditary Cancer Syndrome; Hereditary neoplastic syndrome; Tumor predisposition. Identifiers: Orphanet 140162, MedGen C0027672, MeSH D009386, MONDO:0015356.

gnomAD v4.1: 1 of 1,613,514 alleles (0.000062%); highest among the groups gnomAD compares: Non-Finnish European, 0.000085%; no homozygotes.

Submission:

Ambry Genetics
Classification: Uncertain significance for Hereditary cancer-predisposing syndrome. Last evaluated: 2023-05-04. Review status: criteria provided, single submitter. Criteria: Ambry Variant Classification Scheme 2023. Collection method: clinical testing. Allele origin: germline.
Comment: The p.N1102K variant (also known as c.3306T>G), located in coding exon 9 of the BRCA1 gene, results from a T to G substitution at nucleotide position 3306. The asparagine at codon 1102 is replaced by lysine, an amino acid with similar properties. This amino acid position is conserved. In addition, this alteration is predicted to be tolerated by in silico analysis. Since supporting evidence is limited at this time, the clinical significance of this alteration remains unclear.

NM_007294.4(BRCA1):c.3306T>G (p.Asn1102Lys)

Genes: BRCA1 (BRCA1 DNA repair associated; minus strand), LOC126862571 (BRD4-independent group 4 enhancer GRCh37_chr17:41243136-41244335; plus strand). Cytogenetic location: 17q21.31.
Variant type: single nucleotide variant.
Coding change: c.3306T>G on transcript NM_007294.4 (MANE Select); coding-DNA position 3306, T replaced by G.
Protein change: p.Asn1102Lys; replaces asparagine 1102 with lysine.
Molecular consequence: missense variant. On other transcripts: intron variant (137).
Genome position (GRCh38, 1-based): chr17:43,092,225, A>C on the plus strand (T>G on the coding strand, the complement: BRCA1 is on the minus strand). VCF-style: chr17-43092225-A-C. GRCh37 (hg19) VCF-style: chr17-41244242-A-C.
Other names: c.2418T>G, p.Asn806Lys (NM_001407967.1, NM_001407966.1); c.3165T>G, p.Asn1055Lys (NM_007297.4, NM_001407692.1, NM_001407694.1 and 29 more transcripts); c.3306T>G, p.Asn1102Lys (NM_007300.4, NM_001407581.1, NM_001407582.1 and 30 more transcripts); c.3093T>G, p.Asn1031Lys (NM_001407571.1, NM_001407853.1, NM_001407894.1 and 9 more transcripts); c.3303T>G, p.Asn1101Lys (NM_001407587.1, NM_001407590.1, NM_001407591.1 and 22 more transcripts); c.3297T>G, p.Asn1099Lys (NM_001407646.1, NM_001407647.1); c.3183T>G, p.Asn1061Lys (NM_001407648.1, NM_001407664.1, NM_001407665.1 and 19 more transcripts); c.3180T>G, p.Asn1060Lys (NM_001407649.1, NM_001407670.1, NM_001407671.1 and 11 more transcripts); and 41 more; short protein forms N1013K, N1031K, N1055K, N1060K, N1099K, N806K, N1014K, N1034K.
Identifiers: ClinVar variation 2565352 (VCV002565352.2), dbSNP rs876658664, ClinGen allele CA10595375.